The following is an entry in ClinVar:

ClinVar aggregate classification (germline): Pathogenic (1 of 4 stars; one submission).

Conditions:
Retinitis pigmentosa (RP). Identifiers: Orphanet 791, MedGen C0035334, MeSH D012174, MONDO:0019200, OMIM 268000. Inheritance: Autosomal dominant, autosomal recessive and X linked inheritance.

Submission:

Lab De Baere, Eye and Developmental Genetics Lab, Ghent University
Classification: Pathogenic for Retinitis pigmentosa. Last evaluated: 2024-10-01. Review status: criteria provided, single submitter. Criteria: ACMG Guidelines, 2015. Collection method: research. Allele origin: inherited. Affected: yes. Observed: 1 variant allele.
Comment: ACMG/AMP guidelines: PM2, PVS1, PP3

NM_001142800.2(EYS):c.1446del (p.Gln482fs)

Gene: EYS (EGF-like photoreceptor maintenance factor; minus strand). Cytogenetic location: 6q12.
Variant type: Deletion.
Coding change: c.1446del on transcript NM_001142800.2 (MANE Select); coding-DNA position 1446, one base deleted (A; older notation c.1446delA).
Protein change: p.Gln482fs; shifts the reading frame from glutamine 482.
Molecular consequence: frameshift variant.
Genome position (GRCh38, 1-based): chr6:65,353,471, T deleted on the plus strand (A on the coding strand, the reverse complement: EYS is on the minus strand); the first of 2 consecutive T bases (chr6:65,353,471-65,353,472); deleting either gives the same sequence. VCF-style (leftmost placement, unchanged base first): chr6-65353470-AT-A. GRCh37 (hg19) VCF-style: chr6-66063363-AT-A.
Other names: c.1446del, p.Gln482fs (NM_001142801.2, NM_001292009.2, NM_198283.2); short protein forms Q482fs.
Identifiers: ClinVar variation 3544471 (VCV003544471.1).